The following is an entry in ClinVar:

NM_001080449.3(DNA2):c.3044G>A (p.Gly1015Glu)

Gene: DNA2 (DNA replication helicase/nuclease 2; minus strand). Cytogenetic location: 10q21.3.
Variant type: single nucleotide variant.
Coding change: c.3044G>A on transcript NM_001080449.3 (MANE Select); coding-DNA position 3044, G replaced by A.
Protein change: p.Gly1015Glu; replaces glycine 1015 with glutamic acid.
Molecular consequence: missense variant. On other transcripts: non-coding transcript variant (1).
Genome position (GRCh38, 1-based): chr10:68,416,779, C>T on the plus strand (G>A on the coding strand, the complement: DNA2 is on the minus strand). VCF-style: chr10-68416779-C-T. GRCh37 (hg19) VCF-style: chr10-70176536-C-T.
Other names: short protein forms G1015E.
Identifiers: ClinVar variation 2985833 (VCV002985833.3), dbSNP rs1470620473, ClinGen allele CA376839153.

ClinVar aggregate classification (germline): Uncertain significance (1 of 4 stars; one submission).

Allele frequency attached by ClinVar (database versions not stated): gnomAD exomes below 0.00001; gnomAD 0.00001; TOPMed 0.00002.

Submission:

Labcorp Genetics (formerly Invitae), Labcorp
Classification: Uncertain significance. Last evaluated: 2023-01-17. Review status: criteria provided, single submitter. Criteria: Invitae Variant Classification Sherloc (09022015). Collection method: clinical testing. Allele origin: germline.
Comment: This variant has not been reported in the literature in individuals affected with DNA2-related conditions. In summary, the available evidence is currently insufficient to determine the role of this variant in disease. Therefore, it has been classified as a Variant of Uncertain Significance. Advanced modeling of protein sequence and biophysical properties (such as structural, functional, and spatial information, amino acid conservation, physicochemical variation, residue mobility, and thermodynamic stability) performed at Invitae indicates that this missense variant is expected to disrupt DNA2 protein function. This variant is present in population databases (no rsID available, gnomAD 0.007%). This sequence change replaces glycine, which is neutral and non-polar, with glutamic acid, which is acidic and polar, at codon 1015 of the DNA2 protein (p.Gly1015Glu).